The following is an entry in ClinVar:

ClinVar aggregate classification (germline): Uncertain significance (1 of 4 stars; one submission).

Conditions:
CHARGE syndrome (CHARGE). Also called: Hittner Hirsch Kreh syndrome; CHARGE ASSOCIATION--COLOBOMA, HEART ANOMALY, CHOANAL ATRESIA, RETARDATION, GENITAL AND EAR ANOMALIES; Coloboma, heart anomaly, choanal atresia, retardation, genital and ear anomalies; CHARGE association; Hall-Hittner syndrome. Identifiers: Orphanet 138, MedGen C0265354, MONDO:0008965.

gnomAD v4.1: 1 of 1,603,638 alleles (0.000062%); highest among the groups gnomAD compares: East Asian, 0.0022%; no homozygotes.

Submission:

3billion
Classification: Uncertain significance for CHD7-related CHARGE syndrome. Last evaluated: 2024-06-07. Review status: criteria provided, single submitter. Criteria: ACMG Guidelines, 2015. Collection method: clinical testing. Allele origin: germline. Affected: yes.
Comment: The variant is observed at an extremely low frequency in the gnomAD v4.0.0 dataset (total allele frequency: <0.001%). Predicted Consequence/Location: Missense variant In silico tool predictions suggest damaging effect of the variant on gene or gene product [REVEL: 0.72 (>=0.6, sensitivity 0.68 and specificity 0.92)]. A different missense change at the same codon (p.Gly1506Ser) has been reported to be associated with CHD7 related disorder (PMID: 30098700). Therefore, this variant is classified as VUS according to the recommendation of ACMG/AMP guideline.

Literature cited by the submitters: PubMed 30098700.

NM_017780.4(CHD7):c.4517G>A (p.Gly1506Asp)

Gene: CHD7 (chromodomain helicase DNA binding protein 7; plus strand). Cytogenetic location: 8q12.2.
Variant type: single nucleotide variant.
Coding change: c.4517G>A on transcript NM_017780.4 (MANE Select); coding-DNA position 4517, G replaced by A.
Protein change: p.Gly1506Asp; replaces glycine 1506 with aspartic acid.
Molecular consequence: missense variant. On other transcripts: intron variant (1).
Genome position (GRCh38, 1-based): chr8:60,838,239, G>A. VCF-style: chr8-60838239-G-A. GRCh37 (hg19) VCF-style: chr8-61750798-G-A.
Other names: c.1717-23990G>A (NM_001316690.1); short protein forms G1506D.
Identifiers: ClinVar variation 4293923 (VCV004293923.1).
Genomic context (GRCh38, chr8:60,838,239, plus strand): 5'-ATATTGATCAGATCCTCCTACGTCGAACCCACACCATTACCATTGAGTCAGAAGGGAAAG[G>A]TTCCACATTTGCTAAGGTGTGAATCGATCTAAAGAGGCCAGGTTTTCCATAGAAGCATGA-3'
Protein context (NP_060250.2, residues 1496-1516): HTITIESEGK[Gly1506Asp]STFAKASFVA